The following is an entry in ClinVar:

ClinVar aggregate classification (germline): Uncertain significance (1 of 4 stars; one submission).

Submission:

GeneDx
Classification: Uncertain significance. Last evaluated: 2023-01-25. Review status: criteria provided, single submitter. Criteria: GeneDx Variant Classification Process June 2021. Collection method: clinical testing. Allele origin: germline. Affected: yes.
Comment: Not observed at significant frequency in large population cohorts (gnomAD); In silico analysis supports that this missense variant has a deleterious effect on protein structure/function; Has not been previously published as pathogenic or benign to our knowledge

NM_000834.5(GRIN2B):c.4206A>C (p.Lys1402Asn)

Gene: GRIN2B (glutamate ionotropic receptor NMDA type subunit 2B; minus strand). Cytogenetic location: 12p13.1.
Variant type: single nucleotide variant.
Coding change: c.4206A>C on transcript NM_000834.5 (MANE Select); coding-DNA position 4206, A replaced by C.
Protein change: p.Lys1402Asn; replaces lysine 1402 with asparagine.
Molecular consequence: missense variant.
Genome position (GRCh38, 1-based): chr12:13,563,032, T>G on the plus strand (A>C on the coding strand, the complement: GRIN2B is on the minus strand). VCF-style: chr12-13563032-T-G. GRCh37 (hg19) VCF-style: chr12-13715966-T-G.
Other names: c.4206A>C, p.Lys1402Asn (NM_001413992.1); short protein forms K1402N.
Identifiers: ClinVar variation 2574414 (VCV002574414.1), dbSNP rs1948569992, ClinGen allele CA383986043.